The following is an entry in ClinVar:

NM_000352.6(ABCC8):c.2012A>G (p.Asp671Gly)

Gene: ABCC8 (ATP binding cassette subfamily C member 8; minus strand). Cytogenetic location: 11p15.1.
Variant type: single nucleotide variant.
Coding change: c.2012A>G on transcript NM_000352.6 (MANE Select); coding-DNA position 2012, A replaced by G.
Protein change: p.Asp671Gly; replaces aspartic acid 671 with glycine.
Molecular consequence: missense variant. On other transcripts: non-coding transcript variant (1).
Genome position (GRCh38, 1-based): chr11:17,428,317, T>C on the plus strand (A>G on the coding strand, the complement: ABCC8 is on the minus strand). VCF-style: chr11-17428317-T-C. GRCh37 (hg19) VCF-style: chr11-17449864-T-C.
Other names: c.2012A>G, p.Asp671Gly (NM_001287174.3); c.2078A>G, p.Asp693Gly (NM_001351295.2); c.2009A>G, p.Asp670Gly (NM_001351296.2, NM_001351297.2); short protein forms D670G, D671G, D693G.
Identifiers: ClinVar variation 2573665 (VCV002573665.1), dbSNP rs2496667597, ClinGen allele CA379815156.

ClinVar aggregate classification (germline): Uncertain significance (1 of 4 stars; one submission).

gnomAD v4.1: 3 of 1,614,156 alleles (0.00019%); highest among the groups gnomAD compares: Non-Finnish European, 0.00025%; no homozygotes.

Submission:

GeneDx
Classification: Uncertain significance. Last evaluated: 2023-01-21. Review status: criteria provided, single submitter. Criteria: GeneDx Variant Classification Process June 2021. Collection method: clinical testing. Allele origin: germline. Affected: yes.
Comment: Not observed at significant frequency in large population cohorts (gnomAD); In silico analysis supports that this missense variant does not alter protein structure/function; Has not been previously published as pathogenic or benign to our knowledge